The following is an entry in ClinVar:

ClinVar aggregate classification (germline): Conflicting classifications of pathogenicity. Review status: criteria provided, conflicting classifications (1 of 4 stars). 2 submissions from 2 submitters: Uncertain significance (1); Likely benign (1). Last evaluated 2025-12-03.

Conditions:
DICER1-related tumor predisposition. Also called: DICER1 syndrome; DICER1-related pleuropulmonary blastoma cancer predisposition syndrome. Identifiers: Orphanet 284343, MedGen C3839822, MONDO:0100216.
Hereditary cancer-predisposing syndrome. Also called: Neoplastic Syndromes, Hereditary; Hereditary neoplastic syndrome; Hereditary Cancer Syndrome; Tumor predisposition. Identifiers: Orphanet 140162, MedGen C0027672, MeSH D009386, MONDO:0015356.

Allele frequency attached by ClinVar (database versions not stated): gnomAD exomes below 0.00001; ExAC 0.00001; gnomAD 0.00001; TOPMed 0.00001; ESP Exome Variant Server 0.00008.
gnomAD v4.1: 2 of 1,613,916 alleles (0.00012%); highest among the groups gnomAD compares: African/African-American, 0.0013%; no homozygotes.

Submissions (2):

Labcorp Genetics (formerly Invitae), Labcorp
Classification: Uncertain significance for DICER1-related tumor predisposition. Last evaluated: 2025-12-03. Review status: criteria provided, single submitter. Criteria: Invitae Variant Classification Sherloc (09022015). Collection method: clinical testing. Allele origin: germline.
Comment: This sequence change replaces aspartic acid, which is acidic and polar, with glutamic acid, which is acidic and polar, at codon 1088 of the DICER1 protein (p.Asp1088Glu). This variant is present in population databases (rs376110719, gnomAD 0.007%). This variant has not been reported in the literature in individuals affected with DICER1-related conditions. ClinVar contains an entry for this variant (Variation ID: 657262). Invitae Evidence Modeling of protein sequence and biophysical properties (such as structural, functional, and spatial information, amino acid conservation, physicochemical variation, residue mobility, and thermodynamic stability) indicates that this missense variant is not expected to disrupt DICER1 protein function with a negative predictive value of 95%. In summary, the available evidence is currently insufficient to determine the role of this variant in disease. Therefore, it has been classified as a Variant of Uncertain Significance.

Ambry Genetics
Classification: Likely benign for Hereditary cancer-predisposing syndrome. Last evaluated: 2024-02-13. Review status: criteria provided, single submitter. Criteria: Ambry Variant Classification Scheme 2023. Collection method: clinical testing. Allele origin: germline.

NM_177438.3(DICER1):c.3264T>G (p.Asp1088Glu)

Gene: DICER1 (dicer 1, ribonuclease III; minus strand). Cytogenetic location: 14q32.13.
Variant type: single nucleotide variant.
Coding change: c.3264T>G on transcript NM_177438.3 (MANE Select); coding-DNA position 3264, T replaced by G.
Protein change: p.Asp1088Glu; replaces aspartic acid 1088 with glutamic acid.
Molecular consequence: missense variant.
Genome position (GRCh38, 1-based): chr14:95,105,076, A>C on the plus strand (T>G on the coding strand, the complement: DICER1 is on the minus strand). VCF-style: chr14-95105076-A-C. GRCh37 (hg19) VCF-style: chr14-95571413-A-C.
Other names: c.3264T>G, p.Asp1088Glu (NM_001195573.1, NM_001271282.3, NM_001291628.2 and 1 more transcripts); short protein forms D1088E.
Identifiers: ClinVar variation 657262 (VCV000657262.12), dbSNP rs376110719, ClinGen allele CA7331077.
Genomic context (GRCh38, chr14:95,105,076, plus strand): 5'-TTTGCAAACAGGATCTCATGATCTGTGTTCTTTCTGGCTGACTGCACAGGCATACCTAAA[A>C]TCCGCAGGAAGTGATCTGACTCCCACGCCAGCATCGCTGGCAGTCTGGGCTCTTAGCTCC-3'
Protein context (NP_803187.1, residues 1078-1098): AGVGVRSLPA[Asp1088Glu]FRYPNLDFGW